The following is an entry in ClinVar:

ClinVar aggregate classification (germline): Uncertain significance. Review status: criteria provided, multiple submitters, no conflicts (2 of 4 stars). 2 submissions from 2 submitters: Uncertain significance (2). Last evaluated 2024-11-22.

Allele frequency attached by ClinVar (database versions not stated): gnomAD 0.00001.
gnomAD v4.1: 1 of 1,612,920 alleles (0.000062%); highest among the groups gnomAD compares: Non-Finnish European, 0.000085%; no homozygotes.

Submissions (2):

GeneDx
Classification: Uncertain significance. Last evaluated: 2024-11-22. Review status: criteria provided, single submitter. Criteria: GeneDx Variant Classification Process June 2021. Collection method: clinical testing. Allele origin: germline. Affected: yes.
Comment: Not observed at significant frequency in large population cohorts (gnomAD); In silico analysis supports that this missense variant has a deleterious effect on protein structure/function; Has not been previously published as pathogenic or benign to our knowledge

Labcorp Genetics (formerly Invitae), Labcorp
Classification: Uncertain significance. Last evaluated: 2022-05-15. Review status: criteria provided, single submitter. Criteria: Invitae Variant Classification Sherloc (09022015). Collection method: clinical testing. Allele origin: germline.
Comment: In summary, the available evidence is currently insufficient to determine the role of this variant in disease. Therefore, it has been classified as a Variant of Uncertain Significance. Algorithms developed to predict the effect of missense changes on protein structure and function are either unavailable or do not agree on the potential impact of this missense change (SIFT: "Deleterious"; PolyPhen-2: "Possibly Damaging"; Align-GVGD: "Class C0"). This variant has not been reported in the literature in individuals affected with FGFR3-related conditions. This variant is not present in population databases (gnomAD no frequency). This sequence change replaces arginine, which is basic and polar, with glutamine, which is neutral and polar, at codon 655 of the FGFR3 protein (p.Arg655Gln).

NM_000142.5(FGFR3):c.1964G>A (p.Arg655Gln)

Gene: FGFR3 (fibroblast growth factor receptor 3; plus strand). Cytogenetic location: 4p16.3.
Variant type: single nucleotide variant.
Coding change: c.1964G>A on transcript NM_000142.5 (MANE Select); coding-DNA position 1964, G replaced by A.
Protein change: p.Arg655Gln; replaces arginine 655 with glutamine.
Molecular consequence: missense variant. On other transcripts: non-coding transcript variant (1), intron variant (1).
Genome position (GRCh38, 1-based): chr4:1,806,261, G>A. VCF-style: chr4-1806261-G-A. GRCh37 (hg19) VCF-style: chr4-1807988-G-A.
Other names: c.1970G>A, p.Arg657Gln (NM_001163213.2); c.1967G>A, p.Arg656Gln (NM_001354809.2); c.1628G>A, p.Arg543Gln (NM_022965.4); c.1962+88G>A (NM_001354810.2); short protein forms R656Q, R655Q, R657Q, R543Q.
Identifiers: ClinVar variation 1964405 (VCV001964405.6), dbSNP rs1458777242, ClinGen allele CA355982724.
Genomic context (GRCh38, chr4:1,806,261, plus strand): 5'-GGGGGTCATGCCAGTAGGACGCCTGGCGCCAACACCGCCTTCCCACACCCTCCCAGGGCC[G>A]GCTGCCCGTGAAGTGGATGGCGCCTGAGGCCTTGTTTGACCGAGTCTACACTCACCAGAG-3'
Protein context (NP_000133.1, residues 645-665): LDYYKKTTNG[Arg655Gln]LPVKWMAPEA